The following is an entry in ClinVar:

NM_198578.4(LRRK2):c.3818T>A (p.Leu1273Gln)

Gene: LRRK2 (leucine rich repeat kinase 2; plus strand). Cytogenetic location: 12q12.
Variant type: single nucleotide variant.
Coding change: c.3818T>A on transcript NM_198578.4 (MANE Select); coding-DNA position 3818, T replaced by A.
Protein change: p.Leu1273Gln; replaces leucine 1273 with glutamine.
Molecular consequence: missense variant.
Genome position (GRCh38, 1-based): chr12:40,305,825, T>A. VCF-style: chr12-40305825-T-A. GRCh37 (hg19) VCF-style: chr12-40699627-T-A.
Other names: short protein forms L1273Q.
Identifiers: ClinVar variation 1735211 (VCV001735211.3), dbSNP rs2499794569, ClinGen allele CA384417108.

ClinVar aggregate classification (germline): Uncertain significance (1 of 4 stars; one submission).

Conditions:
Inborn genetic diseases. Identifiers: MedGen C0950123, MeSH D030342.

Submission:

Ambry Genetics
Classification: Uncertain significance for Inborn genetic diseases. Last evaluated: 2024-04-24. Review status: criteria provided, single submitter. Criteria: Ambry Variant Classification Scheme 2023. Collection method: clinical testing. Allele origin: germline.
Comment: The p.L1273Q variant (also known as c.3818T>A), located in coding exon 28 of the LRRK2 gene, results from a T to A substitution at nucleotide position 3818. The leucine at codon 1273 is replaced by glutamine, an amino acid with dissimilar properties. This amino acid position is conserved. In addition, this alteration is predicted to be deleterious by in silico analysis. Since supporting evidence is limited at this time, the clinical significance of this alteration remains unclear.